The following is an entry in ClinVar:

NM_001267550.2(TTN):c.101140G>A (p.Ala33714Thr)

Genes: TTN (titin; minus strand), TTN-AS1 (TTN antisense RNA 1; plus strand). Cytogenetic location: 2q31.2.
Variant type: single nucleotide variant.
Coding change: c.101140G>A on transcript NM_001267550.2 (MANE Select); coding-DNA position 101140, G replaced by A.
Protein change: p.Ala33714Thr; replaces alanine 33714 with threonine.
Molecular consequence: missense variant.
Genome position (GRCh38, 1-based): chr2:178,535,475, C>T on the plus strand (G>A on the coding strand, the complement: TTN is on the minus strand). VCF-style: chr2-178535475-C-T. GRCh37 (hg19) VCF-style: chr2-179400202-C-T.
Other names: c.96217G>A, p.Ala32073Thr (NM_001256850.1); c.73945G>A, p.Ala24649Thr (NM_003319.4); c.93436G>A, p.Ala31146Thr (NM_133378.4); c.74320G>A, p.Ala24774Thr (NM_133432.3); c.74521G>A, p.Ala24841Thr (NM_133437.4); short protein forms A31146T, A24841T, A24649T, A24774T, A32073T, A33714T.
Identifiers: ClinVar variation 4787839 (VCV004787839.1).
Genomic context (GRCh38, chr2:178,535,475, plus strand): 5'-CTGCAGTAGTTGCACATTTTTCAACAATGTAGTTGGTGATTTTGCTGCCACCATCAGAGG[C>T]TGGCTCAGTCCATGTTAAGTTGACAGAATCTCGTGAGACATCACTAACTTTGACTCCTCT-3'
Protein context (NP_001254479.2, residues 33704-33724): DSVNLTWTEP[Ala33714Thr]SDGGSKITNY

ClinVar aggregate classification (germline): Uncertain significance (1 of 4 stars; one submission).

Conditions:
Autosomal recessive limb-girdle muscular dystrophy type 2J (LGMDR10). Also called: Limb-girdle muscular dystrophy, type 2J; MUSCULAR DYSTROPHY, LIMB-GIRDLE, AUTOSOMAL RECESSIVE 10. Identifiers: Orphanet 140922, MedGen C1837342, MONDO:0012127, OMIM 608807.
Dilated cardiomyopathy 1G (CMD1G). Identifiers: Orphanet 154, MedGen C1858763, MONDO:0011400, OMIM 604145.

gnomAD v4.1: 18 of 1,613,878 alleles (0.0011%); highest among the groups gnomAD compares: Non-Finnish European, 0.0014%; no homozygotes.

Submission:

Labcorp Genetics (formerly Invitae), Labcorp
Classification: Uncertain significance for Dilated cardiomyopathy 1G; Autosomal recessive limb-girdle muscular dystrophy type 2J. Last evaluated: 2025-06-20. Review status: criteria provided, single submitter. Criteria: Invitae Variant Classification Sherloc (09022015). Collection method: clinical testing. Allele origin: germline.
Comment: This sequence change replaces alanine, which is neutral and non-polar, with threonine, which is neutral and polar, at codon 33714 of the TTN protein (p.Ala33714Thr). This variant is present in population databases (rs776948324, gnomAD 0.003%). This variant has not been reported in the literature in individuals affected with TTN-related conditions. Experimental studies and prediction algorithms are not available or were not evaluated, and the functional significance of this variant is currently unknown. This variant is located in the M band of TTN (PMID: 25589632). Non-truncating variants in this region may be relevant for neuromuscular disorders, but have not been definitively shown to cause cardiomyopathy (PMID: 23975875). In summary, the available evidence is currently insufficient to determine the role of this variant in disease. Therefore, it has been classified as a Variant of Uncertain Significance.

Literature cited by the submitters: PubMed 25589632; PubMed 23975875.